The following is an entry in ClinVar:

NM_033100.4(CDHR1):c.673G>C (p.Val225Leu)

Gene: CDHR1 (cadherin related family member 1; plus strand). Cytogenetic location: 10q23.1.
Variant type: single nucleotide variant.
Coding change: c.673G>C on transcript NM_033100.4 (MANE Select); coding-DNA position 673, G replaced by C.
Protein change: p.Val225Leu; replaces valine 225 with leucine.
Molecular consequence: missense variant.
Genome position (GRCh38, 1-based): chr10:84,203,013, G>C. VCF-style: chr10-84203013-G-C. GRCh37 (hg19) VCF-style: chr10-85962769-G-C.
Other names: c.673G>C, p.Val225Leu (NM_001171971.3); short protein forms V225L.
Identifiers: ClinVar variation 2879809 (VCV002879809.3), dbSNP rs1413854773, ClinGen allele CA377372599.

ClinVar aggregate classification (germline): Uncertain significance (1 of 4 stars; one submission).

Allele frequency attached by ClinVar (database versions not stated): gnomAD 0.00001.
gnomAD v4.1: 11 of 1,614,086 alleles (0.00068%); highest among the groups gnomAD compares: South Asian, 0.011%; no homozygotes.

Submission:

Labcorp Genetics (formerly Invitae), Labcorp
Classification: Uncertain significance. Last evaluated: 2022-12-20. Review status: criteria provided, single submitter. Criteria: Invitae Variant Classification Sherloc (09022015). Collection method: clinical testing. Allele origin: germline.
Comment: In summary, the available evidence is currently insufficient to determine the role of this variant in disease. Therefore, it has been classified as a Variant of Uncertain Significance. Advanced modeling of protein sequence and biophysical properties (such as structural, functional, and spatial information, amino acid conservation, physicochemical variation, residue mobility, and thermodynamic stability) performed at Invitae indicates that this missense variant is not expected to disrupt CDHR1 protein function. This variant has not been reported in the literature in individuals affected with CDHR1-related conditions. This variant is present in population databases (no rsID available, gnomAD 0.01%). This sequence change replaces valine, which is neutral and non-polar, with leucine, which is neutral and non-polar, at codon 225 of the CDHR1 protein (p.Val225Leu).